The following is an entry in ClinVar:

NM_000808.4(GABRA3):c.647C>A (p.Thr216Lys)

Gene: GABRA3 (gamma-aminobutyric acid type A receptor subunit alpha3; minus strand). Cytogenetic location: Xq28.
Variant type: single nucleotide variant.
Coding change: c.647C>A on transcript NM_000808.4 (MANE Select); coding-DNA position 647, C replaced by A.
Protein change: p.Thr216Lys; replaces threonine 216 with lysine.
Molecular consequence: missense variant.
Genome position (GRCh38, 1-based): chrX:152,208,132, G>T on the plus strand (C>A on the coding strand, the complement: GABRA3 is on the minus strand). VCF-style: chrX-152208132-G-T. GRCh37 (hg19) VCF-style: chrX-151376604-G-T.
Other names: short protein forms T216K.
Identifiers: ClinVar variation 4681617 (VCV004681617.5).

ClinVar aggregate classification (germline): Uncertain significance (1 of 4 stars; one submission).

Submission:

CeGaT Center for Human Genetics Tuebingen
Classification: Uncertain significance. Last evaluated: 2025-12-01. Review status: criteria provided, single submitter. Criteria: CeGaT Center For Human Genetics Tuebingen Variant Classification Criteria Version 2. Collection method: clinical testing. Allele origin: germline. Affected: yes. Observed: 1 variant allele.
Comment: GABRA3: PM2, PP2, BP4